The following is an entry in ClinVar:

ClinVar aggregate classification (germline): Uncertain significance (1 of 4 stars; one submission).

Conditions:
Amyotrophic lateral sclerosis type 15. Also called: AMYOTROPHIC LATERAL SCLEROSIS 15 WITH FRONTOTEMPORAL DEMENTIA. Identifiers: Orphanet 803, MedGen C3275459, MONDO:0010459, OMIM 300857.

Submission:

Labcorp Genetics (formerly Invitae), Labcorp
Classification: Uncertain significance for Amyotrophic lateral sclerosis type 15. Last evaluated: 2024-11-11. Review status: criteria provided, single submitter. Criteria: Invitae Variant Classification Sherloc (09022015). Collection method: clinical testing. Allele origin: germline.
Comment: This sequence change replaces serine, which is neutral and polar, with threonine, which is neutral and polar, at codon 365 of the UBQLN2 protein (p.Ser365Thr). This variant is present in population databases (rs773114234, gnomAD 0.005%). This variant has not been reported in the literature in individuals affected with UBQLN2-related conditions. Invitae Evidence Modeling of protein sequence and biophysical properties (such as structural, functional, and spatial information, amino acid conservation, physicochemical variation, residue mobility, and thermodynamic stability) indicates that this missense variant is not expected to disrupt UBQLN2 protein function with a negative predictive value of 80%. In summary, the available evidence is currently insufficient to determine the role of this variant in disease. Therefore, it has been classified as a Variant of Uncertain Significance.

NM_013444.4(UBQLN2):c.1094G>C (p.Ser365Thr)

Gene: UBQLN2 (ubiquilin 2; plus strand). Cytogenetic location: Xp11.21.
Variant type: single nucleotide variant.
Coding change: c.1094G>C on transcript NM_013444.4 (MANE Select); coding-DNA position 1094, G replaced by C.
Protein change: p.Ser365Thr; replaces serine 365 with threonine.
Molecular consequence: missense variant.
Genome position (GRCh38, 1-based): chrX:56,564,967, G>C. VCF-style: chrX-56564967-G-C. GRCh37 (hg19) VCF-style: chrX-56591400-G-C.
Other names: short protein forms S365T.
Identifiers: ClinVar variation 3680235 (VCV003680235.2).